The following is an entry in ClinVar:

ClinVar aggregate classification (germline): Likely benign (0 of 4 stars; one submission).

Conditions:
THSD7A-related disorder. Also called: THSD7A-related condition.

Allele frequency attached by ClinVar (database versions not stated): 1000 Genomes Project 30x 0.00016; 1000 Genomes Project 0.00020; gnomAD 0.00090; ExAC 0.00099; TOPMed 0.00099; gnomAD exomes 0.00124; ESP Exome Variant Server 0.00164.
gnomAD v4.1: 2,010 of 1,613,834 alleles (0.12%); highest among the groups gnomAD compares: Non-Finnish European, 0.15%; 3 homozygotes.

Submission:

PreventionGenetics, part of Exact Sciences
Classification: Likely benign for THSD7A-related condition. Last evaluated: 2023-02-28. Review status: no assertion criteria provided. Collection method: clinical testing. Allele origin: germline.
Comment: This variant is classified as likely benign based on ACMG/AMP sequence variant interpretation guidelines (Richards et al. 2015 PMID: 25741868, with internal and published modifications).

NM_015204.3(THSD7A):c.3941T>C (p.Val1314Ala)

Gene: THSD7A (thrombospondin type 1 domain containing 7A; minus strand). Cytogenetic location: 7p21.3.
Variant type: single nucleotide variant.
Coding change: c.3941T>C on transcript NM_015204.3 (MANE Select); coding-DNA position 3941, T replaced by C.
Protein change: p.Val1314Ala; replaces valine 1314 with alanine.
Molecular consequence: missense variant.
Genome position (GRCh38, 1-based): chr7:11,407,031, A>G on the plus strand (T>C on the coding strand, the complement: THSD7A is on the minus strand). VCF-style: chr7-11407031-A-G. GRCh37 (hg19) VCF-style: chr7-11446658-A-G.
Other names: short protein forms V1314A.
Identifiers: ClinVar variation 3048323 (VCV003048323.2), dbSNP rs61996269, ClinGen allele CA4163677.